The following is an entry in ClinVar:

ClinVar aggregate classification (germline): Uncertain significance (1 of 4 stars; one submission).

Conditions:
Carnitine palmitoyl transferase 1A deficiency. Also called: CPT I DEFICIENCY; CPT DEFICIENCY, HEPATIC, TYPE I; Carnitine palmitoyltransferase type I deficiency; CPT deficiency, hepatic, type IA; Carnitine palmitoyltransferase 1A deficiency. Identifiers: Orphanet 156, MedGen C1829703, MONDO:0009705, OMIM 255120.

Allele frequency attached by ClinVar (database versions not stated): gnomAD exomes 0.00001.
gnomAD v4.1: 16 of 1,614,104 alleles (0.00099%); highest among the groups gnomAD compares: Non-Finnish European, 0.0012%; no homozygotes.

Submission:

Labcorp Genetics (formerly Invitae), Labcorp
Classification: Uncertain significance for Carnitine palmitoyl transferase 1A deficiency. Last evaluated: 2021-09-17. Review status: criteria provided, single submitter. Criteria: Invitae Variant Classification Sherloc (09022015). Collection method: clinical testing. Allele origin: germline.
Comment: This sequence change replaces threonine with isoleucine at codon 649 of the CPT1A protein (p.Thr649Ile). The threonine residue is moderately conserved and there is a moderate physicochemical difference between threonine and isoleucine. This variant is not present in population databases (ExAC no frequency). This variant has not been reported in the literature in individuals with CPT1A-related conditions. Algorithms developed to predict the effect of missense changes on protein structure and function (SIFT, PolyPhen-2, Align-GVGD) all suggest that this variant is likely to be tolerated, but these predictions have not been confirmed by published functional studies and their clinical significance is uncertain. In summary, the available evidence is currently insufficient to determine the role of this variant in disease. Therefore, it has been classified as a Variant of Uncertain Significance.

NM_001876.4(CPT1A):c.1946C>T (p.Thr649Ile)

Gene: CPT1A (carnitine palmitoyltransferase 1A; minus strand). Cytogenetic location: 11q13.3.
Variant type: single nucleotide variant.
Coding change: c.1946C>T on transcript NM_001876.4 (MANE Select); coding-DNA position 1946, C replaced by T.
Protein change: p.Thr649Ile; replaces threonine 649 with isoleucine.
Molecular consequence: missense variant.
Genome position (GRCh38, 1-based): chr11:68,761,617, G>A on the plus strand (C>T on the coding strand, the complement: CPT1A is on the minus strand). VCF-style: chr11-68761617-G-A. GRCh37 (hg19) VCF-style: chr11-68529085-G-A.
Other names: c.1946C>T, p.Thr649Ile (NM_001031847.3); short protein forms T649I.
Identifiers: ClinVar variation 1432379 (VCV001432379.5), dbSNP rs1369067061, ClinGen allele CA381626703.